The following is an entry in ClinVar:

NM_001365902.3(NFIX):c.143T>G (p.Met48Arg)

Gene: NFIX (nuclear factor I X; plus strand). Cytogenetic location: 19p13.13.
Variant type: single nucleotide variant.
Coding change: c.143T>G on transcript NM_001365902.3 (MANE Select); coding-DNA position 143, T replaced by G.
Protein change: p.Met48Arg; replaces methionine 48 with arginine.
Molecular consequence: missense variant. On other transcripts: initiator codon variant (1).
Genome position (GRCh38, 1-based): chr19:13,025,136, T>G. VCF-style: chr19-13025136-T-G. GRCh37 (hg19) VCF-style: chr19-13135950-T-G.
Other names: c.167T>G, p.Met56Arg (NM_001271043.2); c.119T>G, p.Met40Arg (NM_001271044.3, NM_001378404.1, NM_001440616.1 and 1 more transcripts); c.143T>G, p.Met48Arg (NM_001365982.2, NM_002501.4); c.2T>G, p.Met1Arg (NM_001365983.2); c.140T>G, p.Met47Arg (NM_001365984.2, NM_001365985.2); c.191T>G, p.Met64Arg (NM_001378405.1); short protein forms M1R, M40R, M47R, M48R, M56R, M64R.
Identifiers: ClinVar variation 4818955 (VCV004818955.1).
Genomic context (GRCh38, chr19:13,025,136, plus strand): 5'-ACACCTGGTTCAACCTGCAGGCGCGGAAGCGCAAGTACTTCAAGAAGCATGAAAAGCGGA[T>G]GTCGAAGGACGAGGAGCGGGCGGTGAAGGACGAGCTGCTGGGCGAGAAGCCCGAGATCAA-3'
Protein context (NP_001352831.1, residues 38-58): RKYFKKHEKR[Met48Arg]SKDEERAVKD

ClinVar aggregate classification (germline): Pathogenic (1 of 4 stars; one submission).

Conditions:
Malan overgrowth syndrome (MALNS). Also called: NFIX-Related Malan Syndrome; MALAN SYNDROME; Sotos syndrome 2. Identifiers: Orphanet 420179, MedGen C3553660, MONDO:0013885, OMIM 614753.

Submission:

Victorian Clinical Genetics Services, Murdoch Childrens Research Institute
Classification: Pathogenic for Malan overgrowth syndrome. Last evaluated: 2025-12-02. Review status: criteria provided, single submitter. Criteria: ACMG Guidelines, 2015. Collection method: clinical testing. Allele origin: germline. Affected: yes.
Comment: This variant is classified as Pathogenic. Evidence in support of pathogenic classification: Variant is absent from gnomAD (v2, v3 and v4); Other missense variant(s) comparable to the one identified in this case have moderate previous evidence for pathogenicity. p.(Met48Lys) has been classified as pathogenic and likely pathogenic by multiple clinical laboratories in ClinVar. It has also been reported in the literature in individuals with Malan syndrome, including as de novo (PMIDs: 33288889, 35717370, DECIPHER). Additionally, p.(Met48Val) and p.(Met48Thr) have each been classified as likely pathogenic and VUS by a clinical laboratory in ClinVar. p.(Met48Leu) has also been classified as a VUS by a clinical laboratory in ClinVar; Variant is located in a hotspot region or cluster of PATHOGENIC variants in the DNA-binding region (DECIPHER, PMID: 29897170); Additional information: Variant is predicted to result in a missense amino acid change from Met to Arg; This variant is heterozygous; This gene is associated with autosomal dominant disease; Alternative amino acid change(s) at the same position are present in gnomAD (highest allele count: v4: 3 heterozygote(s), 0 homozygote(s)). - This variant has no previous evidence of pathogenicity; No published evidence of segregation with disease has been identified for this variant; No published functional evidence has been identified for this variant; Missense variant with inconclusive in silico prediction and/or uninformative conservation; Loss of function is a known mechanism of disease in this gene and is associated with Malan syndrome (MIM#614753). Dominant negative is a suspected mechanism of disease for Marshall-Smith syndrome (MIM#602535) (PMID: 24924640).

Literature cited by the submitters: PubMed 35717370; PubMed 24924640; PubMed 33288889; PubMed 29897170.